The following is an entry in ClinVar:

NM_032043.3(BRIP1):c.816A>G (p.Pro272=)

Gene: BRIP1 (BRCA1 interacting DNA helicase 1; minus strand). Cytogenetic location: 17q23.2.
Variant type: single nucleotide variant.
Coding change: c.816A>G on transcript NM_032043.3 (MANE Select); coding-DNA position 816, A replaced by G.
Protein change: p.Pro272=; no amino-acid change (proline 272 retained).
Molecular consequence: synonymous variant.
Genome position (GRCh38, 1-based): chr17:61,808,569, T>C on the plus strand (A>G on the coding strand, the complement: BRIP1 is on the minus strand). VCF-style: chr17-61808569-T-C. GRCh37 (hg19) VCF-style: chr17-59885930-T-C.
Identifiers: ClinVar variation 1145557 (VCV001145557.13), dbSNP rs765027420, ClinGen allele CA8690846.
Genomic context (GRCh38, chr17:61,808,569, plus strand): 5'-GAAGTTACCGACTACCTCAGGATGGACACAAGTATGATCCCTGCTGGAAAGAATAGTCAT[T>C]GGAACCCCTGAATATGCCGTCCTCCGGAGCTCTCTAGTAATCTGAGCAATCTGCTTGTGT-3'
Protein context (NP_114432.2, residues 262-282): ELRRTAYSGV[Pro272=]MTILSSRDHT

ClinVar aggregate classification (germline): Benign/Likely benign. Review status: criteria provided, multiple submitters, no conflicts (2 of 4 stars). 3 submissions from 3 submitters: Benign (1); Likely benign (2). Last evaluated 2024-08-22.

Conditions:
Familial cancer of breast. Also called: Hereditary breast cancer; BREAST CANCER, FAMILIAL; hereditary breast carcinoma. Identifiers: Orphanet 227535, MedGen C0346153, MONDO:0016419, OMIM 114480. Disease mechanism: loss of function.
Hereditary cancer-predisposing syndrome. Also called: Hereditary neoplastic syndrome; Tumor predisposition; Neoplastic Syndromes, Hereditary; Hereditary Cancer Syndrome. Identifiers: Orphanet 140162, MedGen C0027672, MeSH D009386, MONDO:0015356.
Fanconi anemia complementation group J. Also called: BRIP1-Related Fanconi Anemia. Identifiers: Orphanet 84, MedGen C1836860, MONDO:0012187, OMIM 609054.

Allele frequency attached by ClinVar (database versions not stated): gnomAD exomes below 0.00001; ExAC 0.00001.
gnomAD v4.1: 1 of 1,613,794 alleles (0.000062%); highest among the groups gnomAD compares: Non-Finnish European, 0.000085%; no homozygotes.

Submissions (3):

Myriad Genetics, Inc.
Classification: Benign for Familial cancer of breast. Last evaluated: 2024-08-22. Review status: criteria provided, single submitter. Criteria: Myriad Autosomal Dominant, Autosomal Recessive and X-Linked Classification Criteria (2023). Collection method: clinical testing. Allele origin: unknown.
Comment: This variant is considered benign. This variant is a silent/synonymous amino acid change and it is not expected to impact splicing.

Labcorp Genetics (formerly Invitae), Labcorp
Classification: Likely benign for Familial cancer of breast; Fanconi anemia complementation group J. Last evaluated: 2020-01-22. Review status: criteria provided, single submitter. Criteria: Invitae Variant Classification Sherloc (09022015). Collection method: clinical testing. Allele origin: germline.

Ambry Genetics
Classification: Likely benign for Hereditary cancer-predisposing syndrome. Last evaluated: 2019-08-18. Review status: criteria provided, single submitter. Criteria: Ambry Variant Classification Scheme 2023. Collection method: clinical testing. Allele origin: germline.